The following is an entry in ClinVar:

ClinVar aggregate classification (germline): Uncertain significance (1 of 4 stars; one submission).

Allele frequency attached by ClinVar (database versions not stated): gnomAD exomes below 0.00001 and 0.00001; TOPMed below 0.00001; ExAC 0.00001; 1000 Genomes Project 30x 0.00016; 1000 Genomes Project 0.00020.
gnomAD v4.1: 14 of 1,613,908 alleles (0.00087%); highest among the groups gnomAD compares: African/African-American, 0.012%; no homozygotes.

Submission:

Labcorp Genetics (formerly Invitae), Labcorp
Classification: Uncertain significance. Last evaluated: 2025-01-05. Review status: criteria provided, single submitter. Criteria: Invitae Variant Classification Sherloc (09022015). Collection method: clinical testing. Allele origin: germline.
Comment: This sequence change replaces cysteine, which is neutral and slightly polar, with tyrosine, which is neutral and polar, at codon 65 of the ASRGL1 protein (p.Cys65Tyr). This variant is present in population databases (rs551053676, gnomAD 0.01%). This variant has not been reported in the literature in individuals affected with ASRGL1-related conditions. ClinVar contains an entry for this variant (Variation ID: 1024218). An algorithm developed to predict the effect of missense changes on protein structure and function outputs the following: PolyPhen-2: "Benign". The tyrosine amino acid residue is found in multiple mammalian species, which suggests that this missense change does not adversely affect protein function. In summary, the available evidence is currently insufficient to determine the role of this variant in disease. Therefore, it has been classified as a Variant of Uncertain Significance.

NM_001083926.2(ASRGL1):c.194G>A (p.Cys65Tyr)

Gene: ASRGL1 (asparaginase and isoaspartyl peptidase 1; plus strand). Cytogenetic location: 11q12.3.
Variant type: single nucleotide variant.
Coding change: c.194G>A on transcript NM_001083926.2 (MANE Select); coding-DNA position 194, G replaced by A.
Protein change: p.Cys65Tyr; replaces cysteine 65 with tyrosine.
Molecular consequence: missense variant.
Genome position (GRCh38, 1-based): chr11:62,356,328, G>A. VCF-style: chr11-62356328-G-A. GRCh37 (hg19) VCF-style: chr11-62123800-G-A.
Other names: c.194G>A, p.Cys65Tyr (NM_025080.4); short protein forms C65Y.
Identifiers: ClinVar variation 1024218 (VCV001024218.8), dbSNP rs551053676, ClinGen allele CA6043121.